The following is an entry in ClinVar:

ClinVar aggregate classification (germline): Uncertain significance (1 of 4 stars; one submission).

Allele frequency attached by ClinVar (database versions not stated): gnomAD exomes below 0.00001.
gnomAD v4.1: 2 of 1,613,890 alleles (0.00012%); highest among the groups gnomAD compares: Non-Finnish European, 0.00017%; no homozygotes.

Submission:

CeGaT Center for Human Genetics Tuebingen
Classification: Uncertain significance. Last evaluated: 2026-03-01. Review status: criteria provided, single submitter. Criteria: CeGaT Center For Human Genetics Tuebingen Variant Classification Criteria Version 2. Collection method: clinical testing. Allele origin: germline. Affected: yes. Observed: 2 variant alleles.
Comment: SYNE2: PM2, BP4

NM_182914.3(SYNE2):c.15805A>G (p.Lys5269Glu)

Gene: SYNE2 (spectrin repeat containing nuclear envelope protein 2; plus strand). Cytogenetic location: 14q23.2.
Variant type: single nucleotide variant.
Coding change: c.15805A>G on transcript NM_182914.3 (MANE Select); coding-DNA position 15805, A replaced by G.
Protein change: p.Lys5269Glu; replaces lysine 5269 with glutamic acid.
Molecular consequence: missense variant.
Genome position (GRCh38, 1-based): chr14:64,158,637, A>G. VCF-style: chr14-64158637-A-G. GRCh37 (hg19) VCF-style: chr14-64625355-A-G.
Other names: c.15805A>G, p.Lys5269Glu (NM_015180.6); short protein forms K5269E.
Identifiers: ClinVar variation 2644302 (VCV002644302.24), dbSNP rs2549526523, ClinGen allele CA389953879.
Genomic context (GRCh38, chr14:64,158,637, plus strand): 5'-GTCTTCTCAGTGATTTTCTAAATCAGTACGTTTCCACTTTTTGTCTAGGTCAATCAGCTC[A>G]AAACCTCCATGCAGTCAGTTTTACAGGAGTGGAAGATTTATGATCAACTCTATGATGAAG-3'
Protein context (NP_878918.2, residues 5259-5279): SSVLTQVNQL[Lys5269Glu]TSMQSVLQEW